The following is an entry in ClinVar:

ClinVar aggregate classification (germline): Conflicting classifications of pathogenicity. Review status: criteria provided, conflicting classifications (1 of 4 stars). 9 submissions from 8 submitters: Uncertain significance (2); Likely benign (7). Last evaluated 2026-06-01.

Conditions:
DNA ligase IV deficiency. Identifiers: Orphanet 99812, MedGen C1847827, MONDO:0011686, OMIM 606593.
Severe combined immunodeficiency due to DCLRE1C deficiency (RS-SCID). Also called: SCID, AUTOSOMAL RECESSIVE, T CELL-NEGATIVE, B CELL-NEGATIVE, NK CELL-POSITIVE, WITH SENSITIVITY TO IONIZING RADIATION. Identifiers: Orphanet 275, MedGen C1865371, MONDO:0011225, OMIM 602450.

Allele frequency attached by ClinVar (database versions not stated): 1000 Genomes Project 0.00020; 1000 Genomes Project 30x 0.00031; TOPMed 0.00067; ExAC 0.00069; ESP Exome Variant Server 0.00069; gnomAD 0.00069; gnomAD exomes 0.00070.

Submissions (9):

CeGaT Center for Human Genetics Tuebingen
Classification: Likely benign. Last evaluated: 2026-06-01. Review status: criteria provided, single submitter. Criteria: CeGaT Center For Human Genetics Tuebingen Variant Classification Criteria Version 2. Collection method: clinical testing. Allele origin: germline. Affected: yes. Observed: 6 variant alleles.
Comment: LIG4: BP4, BP7

Labcorp Genetics (formerly Invitae), Labcorp
Classification: Likely benign for DNA ligase IV deficiency. Last evaluated: 2026-02-04. Review status: criteria provided, single submitter. Criteria: Invitae Variant Classification Sherloc (09022015). Collection method: clinical testing. Allele origin: germline.

Laboratory of Genetics, Children's Clinical University Hospital Latvia
Classification: Likely benign. Last evaluated: 2025-02-16. Review status: criteria provided, single submitter. Criteria: ACMG Guidelines, 2015. Collection method: clinical testing. Allele origin: germline. Affected: yes.

Blueprint Genetics
Classification: Likely benign. Last evaluated: 2024-11-14. Review status: criteria provided, single submitter. Criteria: ACMG Guidelines, 2015. Collection method: clinical testing. Allele origin: germline.

KCCC/NGS Laboratory, Kuwait Cancer Control Center
Classification: Likely benign for DNA ligase IV deficiency. Last evaluated: 2023-07-07. Review status: criteria provided, single submitter. Criteria: ACMG Guidelines, 2015. Collection method: clinical testing. Allele origin: germline. Affected: yes.

GeneDx
Classification: Likely benign. Last evaluated: 2020-12-01. Review status: criteria provided, single submitter. Criteria: GeneDx Variant Classification Process June 2021. Collection method: clinical testing. Allele origin: germline. Affected: yes.

Illumina Laboratory Services, Illumina
Classification: Uncertain significance for Severe combined immunodeficiency due to DCLRE1C deficiency. Last evaluated: 2018-01-12. Review status: criteria provided, single submitter. Criteria: ICSL Variant Classification Criteria 13 December 2019. Collection method: clinical testing. Allele origin: germline.

Illumina Laboratory Services, Illumina
Classification: Uncertain significance for DNA ligase IV deficiency. Last evaluated: 2018-01-12. Review status: criteria provided, single submitter. Criteria: ICSL Variant Classification Criteria 13 December 2019. Collection method: clinical testing. Allele origin: germline.

Genetic Services Laboratory, University of Chicago
Classification: Likely benign. Last evaluated: 2015-11-20. Review status: criteria provided, single submitter. Criteria: ACMG Guidelines, 2015. Collection method: clinical testing. Allele origin: germline. Affected: no.

NM_206937.2(LIG4):c.285G>A (p.Glu95=)

Gene: LIG4 (DNA ligase 4; minus strand). Cytogenetic location: 13q33.3.
Variant type: single nucleotide variant.
Coding change: c.285G>A on transcript NM_206937.2 (MANE Select); coding-DNA position 285, G replaced by A.
Protein change: p.Glu95=; no amino-acid change (glutamic acid 95 retained).
Molecular consequence: synonymous variant.
Genome position (GRCh38, 1-based): chr13:108,210,984, C>T on the plus strand (G>A on the coding strand, the complement: LIG4 is on the minus strand). VCF-style: chr13-108210984-C-T. GRCh37 (hg19) VCF-style: chr13-108863332-C-T.
Other names: c.285G>A, p.Glu95= (NM_001098268.2, NM_001352598.2, NM_001352599.2 and 6 more transcripts); c.84G>A, p.Glu28= (NM_001330595.2); c.321G>A, p.Glu107= (NM_001352604.2); c.285G>A (NM_206937.1).
Identifiers: ClinVar variation 435755 (VCV000435755.50), dbSNP rs150146196, ClinGen allele CA7043863.